The following is an entry in ClinVar:

NM_145207.3(AFG2A):c.1142G>C (p.Ser381Thr)

Gene: AFG2A (AAA ATPase AFG2A; plus strand). Cytogenetic location: 4q28.1.
Variant type: single nucleotide variant.
Coding change: c.1142G>C on transcript NM_145207.3 (MANE Select); coding-DNA position 1142, G replaced by C.
Protein change: p.Ser381Thr; replaces serine 381 with threonine.
Molecular consequence: missense variant.
Genome position (GRCh38, 1-based): chr4:122,934,733, G>C. VCF-style: chr4-122934733-G-C. GRCh37 (hg19) VCF-style: chr4-123855888-G-C.
Other names: c.1139G>C, p.Ser380Thr (NM_001317799.2, NM_001345856.2); short protein forms S380T, S381T.
Identifiers: ClinVar variation 843774 (VCV000843774.9), dbSNP rs1237325691, ClinGen allele CA358103435.
Genomic context (GRCh38, chr4:122,934,733, plus strand): 5'-AGCTGAAAGCAATTAGAGAAATAATTGAATTGCCCCTCAAACAGCCTGAGCTTTTCAAGA[G>C]TTATGGTATGATGTCTTCAGTTTATTGCACCCAAAAATGTTAAATTCAAATTAAAAGACA-3'
Protein context (NP_660208.2, residues 371-391): LPLKQPELFK[Ser381Thr]YGIPAPRGVL

ClinVar aggregate classification (germline): Uncertain significance (1 of 4 stars; one submission).

Conditions:
Microcephaly-intellectual disability-sensorineural hearing loss-epilepsy-abnormal muscle tone syndrome (NEDHSB). Also called: NEURODEVELOPMENTAL DISORDER WITH HEARING LOSS, SEIZURES, AND BRAIN ABNORMALITIES. Identifiers: Orphanet 457351, MedGen C4225276, MONDO:0014698, OMIM 616577.

gnomAD v4.1: 2 of 1,563,702 alleles (0.00013%); highest among the groups gnomAD compares: Non-Finnish European, 0.00017%; no homozygotes.

Submission:

Labcorp Genetics (formerly Invitae), Labcorp
Classification: Uncertain significance for Microcephaly-intellectual disability-sensorineural hearing loss-epilepsy-abnormal muscle tone syndrome. Last evaluated: 2019-12-15. Review status: criteria provided, single submitter. Criteria: Invitae Variant Classification Sherloc (09022015). Collection method: clinical testing. Allele origin: germline.
Comment: In summary, the available evidence is currently insufficient to determine the role of this variant in disease. Therefore, it has been classified as a Variant of Uncertain Significance. Algorithms developed to predict the effect of missense changes on protein structure and function output the following: SIFT: "Tolerated"; PolyPhen-2: "Benign"; Align-GVGD: "Class C0". The threonine amino acid residue is found in multiple mammalian species, suggesting that this missense change does not adversely affect protein function. These predictions have not been confirmed by published functional studies and their clinical significance is uncertain. This variant has not been reported in the literature in individuals with SPATA5-related conditions. This variant is not present in population databases (ExAC no frequency). This sequence change replaces serine with threonine at codon 381 of the SPATA5 protein (p.Ser381Thr). The serine residue is highly conserved and there is a small physicochemical difference between serine and threonine.